The following is an entry in ClinVar:

NM_000226.4(KRT9):c.1668C>A (p.Gly556=)

Gene: KRT9 (keratin 9; minus strand). Cytogenetic location: 17q21.2.
Variant type: single nucleotide variant.
Coding change: c.1668C>A on transcript NM_000226.4 (MANE Select); coding-DNA position 1668, C replaced by A.
Protein change: p.Gly556=; no amino-acid change (glycine 556 retained).
Molecular consequence: synonymous variant.
Genome position (GRCh38, 1-based): chr17:41,567,477, G>T on the plus strand (C>A on the coding strand, the complement: KRT9 is on the minus strand). VCF-style: chr17-41567477-G-T. GRCh37 (hg19) VCF-style: chr17-39723729-G-T.
Identifiers: ClinVar variation 3034210 (VCV003034210.4), dbSNP rs369406178, ClinGen allele CA8561893.

ClinVar aggregate classification (germline): Likely benign. Review status: criteria provided, single submitter (1 of 4 stars). 2 submissions from 2 submitters: Likely benign (1). 1 of the submissions does not count toward it. Last evaluated 2024-03-16.

Conditions:
KRT9-related disorder. Also called: KRT9-related condition.

Allele frequency attached by ClinVar (database versions not stated): ExAC 0.00004; ESP Exome Variant Server 0.00008; gnomAD 0.00031.

Submissions (2):

Labcorp Genetics (formerly Invitae), Labcorp
Classification: Likely benign. Last evaluated: 2024-03-16. Review status: criteria provided, single submitter. Criteria: Invitae Variant Classification Sherloc (09022015). Collection method: clinical testing. Allele origin: germline.

PreventionGenetics, part of Exact Sciences
Classification: Likely benign for KRT9-related condition. Last evaluated: 2019-06-20. Review status: no assertion criteria provided. Collection method: clinical testing. Allele origin: germline. Not counted in ClinVar's aggregate classification.
Comment: This variant is classified as likely benign based on ACMG/AMP sequence variant interpretation guidelines (Richards et al. 2015 PMID: 25741868, with internal and published modifications).